The following is an entry in ClinVar:

NM_001267550.2(TTN):c.105404C>T (p.Pro35135Leu)

Genes: TTN (titin; minus strand), TTN-AS1 (TTN antisense RNA 1; plus strand). Cytogenetic location: 2q31.2.
Variant type: single nucleotide variant.
Coding change: c.105404C>T on transcript NM_001267550.2 (MANE Select); coding-DNA position 105404, C replaced by T.
Protein change: p.Pro35135Leu; replaces proline 35135 with leucine.
Molecular consequence: missense variant.
Genome position (GRCh38, 1-based): chr2:178,531,211, G>A on the plus strand (C>T on the coding strand, the complement: TTN is on the minus strand). VCF-style: chr2-178531211-G-A. GRCh37 (hg19) VCF-style: chr2-179395938-G-A.
Other names: c.100481C>T, p.Pro33494Leu (NM_001256850.1); c.78209C>T, p.Pro26070Leu (NM_003319.4); c.97700C>T, p.Pro32567Leu (NM_133378.4); c.78584C>T, p.Pro26195Leu (NM_133432.3); c.78785C>T, p.Pro26262Leu (NM_133437.4); short protein forms P26070L, P35135L, P26195L, P33494L, P26262L, P32567L.
Identifiers: ClinVar variation 676065 (VCV000676065.1), dbSNP rs1575228534, ClinGen allele CA349408828.

ClinVar aggregate classification (germline): Likely benign (1 of 4 stars; one submission).

Allele frequency attached by ClinVar (database versions not stated): gnomAD exomes below 0.00001.
gnomAD v4.1: 1 of 1,613,922 alleles (0.000062%); highest among the groups gnomAD compares: Non-Finnish European, 0.000085%; no homozygotes.

Submission:

GeneDx
Classification: Likely benign. Last evaluated: 2018-03-30. Review status: criteria provided, single submitter. Criteria: GeneDx Variant Classification (06012015). Collection method: clinical testing. Allele origin: germline. Affected: yes.
Comment: This variant is considered likely benign or benign based on one or more of the following criteria: it is a conservative change, it occurs at a poorly conserved position in the protein, it is predicted to be benign by multiple in silico algorithms, and/or has population frequency not consistent with disease.